The following is an entry in ClinVar:

NM_024312.5(GNPTAB):c.3565C>T (p.Arg1189Ter)

Gene: GNPTAB (N-acetylglucosamine-1-phosphate transferase subunits alpha and beta; minus strand). Cytogenetic location: 12q23.2.
Variant type: single nucleotide variant.
Coding change: c.3565C>T on transcript NM_024312.5 (MANE Select); coding-DNA position 3565, C replaced by T.
Protein change: p.Arg1189Ter; replaces arginine 1189 with a stop codon.
Molecular consequence: nonsense.
Genome position (GRCh38, 1-based): chr12:101,753,409, G>A on the plus strand (C>T on the coding strand, the complement: GNPTAB is on the minus strand). VCF-style: chr12-101753409-G-A. GRCh37 (hg19) VCF-style: chr12-102147187-G-A.
Other names: AY687932:c.3565C>T; short protein forms R1189*.
Identifiers: ClinVar variation 2764 (VCV000002764.25), dbSNP rs137852897, ClinGen allele CA340009.

ClinVar aggregate classification (germline): Pathogenic. Review status: criteria provided, multiple submitters, no conflicts (2 of 4 stars). 13 submissions from 11 submitters: Pathogenic (8). 5 of the submissions do not count toward it. Last evaluated 2026-01-13.

Conditions:
GNPTAB-Related Disorders. Also called: GNPTAB-related disorder; GNPTAB-related condition. Identifiers: MedGen CN381523.
Mucolipidosis. Also called: Mucolipidoses. Identifiers: Orphanet 79212, MedGen C0026697, MONDO:0019248.
Mucolipidosis type II. Also called: Mucolipidosis 2; ML 2; Inclusion cell disease; Leroy Disease; N-acetylglucosamine 1phosphotransferase deficiency; ML disorder type 2. Identifiers: Orphanet 576, MedGen C2673377, MONDO:0009650, OMIM 252500.
Pseudo-Hurler polydystrophy. Also called: Mucolipidosis III Alpha/Beta; ML III; ML III ALPHA/BETA; ML IIIA; MUCOLIPIDOSIS IIIA; Type III Mucolipidosis. Identifiers: Orphanet 423461, Orphanet 577, MedGen C0033788, MONDO:0018931, OMIM 252600.

Allele frequency attached by ClinVar (database versions not stated): ExAC 0.00002; gnomAD exomes 0.00002; TOPMed 0.00002; gnomAD 0.00001.
gnomAD v4.1: 41 of 1,613,814 alleles (0.0025%); highest among the groups gnomAD compares: East Asian, 0.033%; no homozygotes.

Submissions (13):

Labcorp Genetics (formerly Invitae), Labcorp
Classification: Pathogenic for Pseudo-Hurler polydystrophy; Mucolipidosis type II. Last evaluated: 2026-01-13. Review status: criteria provided, single submitter. Criteria: Invitae Variant Classification Sherloc (09022015). Collection method: clinical testing. Allele origin: germline.
Comment: This sequence change creates a premature translational stop signal (p.Arg1189*) in the GNPTAB gene. It is expected to result in an absent or disrupted protein product. Loss-of-function variants in GNPTAB are known to be pathogenic (PMID: 19617216, 25107912). This variant is present in population databases (rs137852897, gnomAD 0.01%). This premature translational stop signal has been observed in individuals with mucolipidosis II (PMID: 16116615, 23926388). ClinVar contains an entry for this variant (Variation ID: 2764). For these reasons, this variant has been classified as Pathogenic.

Natera, Inc.
Classification: Pathogenic for Mucolipidosis type II. Last evaluated: 2025-07-25. Review status: criteria provided, single submitter. Criteria: Natera Variant Classification Schema (03/2026). Collection method: clinical testing. Allele origin: germline.
Comment: The c.3565C>T variant in GNPTAB is a nonsense variant predicted to introduce a stop codon at amino acid 1189. This variant is expected to result in nonsense mediated decay, truncation, or a dysfunctional protein product. This variant is rare in the general population with a frequency below the threshold expected for the associated phenotype(s). This variant has been observed in one or more individuals affected with the associated recessive disease, as either homozygous or compound heterozygous with a second variant (PMID: 21416587). Given the available evidence, this variant is classified as Pathogenic.

Fulgent Genetics
Classification: Pathogenic for Mucolipidosis type II; Pseudo-Hurler polydystrophy. Last evaluated: 2024-06-23. Review status: criteria provided, single submitter. Criteria: ACMG Guidelines, 2015. Collection method: clinical testing. Allele origin: germline.

Daryl Scott Lab, Baylor College of Medicine
Classification: Pathogenic for GNPTAB-related disorder. Last evaluated: 2023-11-10. Review status: criteria provided, single submitter. Criteria: ACMG Guidelines, 2015. Collection method: clinical testing. Allele origin: biparental. Affected: yes.

Women's Health and Genetics/Laboratory Corporation of America, LabCorp
Classification: Pathogenic for Mucolipidosis. Last evaluated: 2020-08-03. Review status: criteria provided, single submitter. Criteria: LabCorp Variant Classification Summary - May 2015. Collection method: clinical testing. Allele origin: germline.
Comment: Variant summary: GNPTAB c.3565C>T (p.Arg1189X) results in a premature termination codon, predicted to cause a truncation of the encoded protein or absence of the protein due to nonsense mediated decay, which are commonly known mechanisms for disease. Truncations downstream of this position have been classified as pathogenic by our laboratory. The variant allele was found at a frequency of 2e-05 in 251436 control chromosomes. c.3565C>T has been reported in the literature in multiple individuals affected with Mucolipidosis (ML) in whom a diagnosis of ML was based on clinical manifestations and lysosomal enzyme activities in serum, lymphocyte and skin fibroblasts (example, Cathey_2010, Ma_2011, Otomo_2009). These data indicate that the variant is very likely to be associated with disease. Three clinical diagnostic laboratories have submitted clinical-significance assessments for this variant to ClinVar after 2014 without evidence for independent evaluation. All laboratories classified the variant as pathogenic. Based on the evidence outlined above, the variant was classified as pathogenic.

GeneDx
Classification: Pathogenic. Last evaluated: 2018-09-10. Review status: criteria provided, single submitter. Criteria: GeneDx Variant Classification (06012015). Collection method: clinical testing. Allele origin: germline. Affected: yes.
Comment: The R1189X nonsense variant in the GNPTAB gene has been reported previously in association with mucolipidosis II and III in several unrelated individuals who were homozygous for R1189X or heterozygous for R1189X and another variant in the GNPTAB gene (Paik et al., 2005; Otomo et al. 2009; Yang et al. 2017). The R1189X variant is a common pathogenic variant in several East Asian populations (Otomo et al. 2009). The R1189X variant is not observed at a significant frequency in large population cohorts (Lek et al., 2016). This pathogenic variant is predicted to cause loss of normal protein function either through protein truncation or nonsense-mediated mRNA decay.

Eurofins Ntd Llc (ga)
Classification: Pathogenic. Last evaluated: 2014-06-02. Review status: criteria provided, single submitter. Criteria: EGL Classification Definitions 2015. Collection method: clinical testing. Allele origin: germline. Observed: 6 variant alleles, 6 heterozygotes.

Juno Genomics, Hangzhou Juno Genomics, Inc
Classification: Pathogenic for Mucolipidosis type II; Pseudo-Hurler polydystrophy. Review status: criteria provided, single submitter. Criteria: ACMG Guidelines, 2015. Collection method: clinical testing. Allele origin: germline.
Comment: Absent from controls (or at extremely low frequency if recessive) in Genome Aggregation Database.;Null variant in a gene where loss of function (LOF) is a known mechanism of disease.;For recessive disorders, detected in trans with a pathogenic variant.

Counsyl
Classification: Pathogenic for Mucolipidosis type II; Pseudo-Hurler polydystrophy. Last evaluated: 2017-04-28. Review status: no assertion criteria provided. Collection method: clinical testing. Allele origin: unknown. Not counted in ClinVar's aggregate classification.

GeneReviews
Classification: Pathogenic for Mucolipidosis III Alpha/Beta. Last evaluated: 2012-05-10. Review status: no assertion criteria provided. Collection method: curation. Allele origin: unknown. Not counted in ClinVar's aggregate classification.
ClinVar note: Converted during submission from pathologic to Pathogenic.

OMIM
Classification: Pathogenic for MUCOLIPIDOSIS II ALPHA/BETA. Last evaluated: 2009-03-01. Review status: no assertion criteria provided. Collection method: literature only. Allele origin: germline. Not counted in ClinVar's aggregate classification.

OMIM
Classification: Pathogenic for MUCOLIPIDOSIS III ALPHA/BETA. Last evaluated: 2009-03-01. Review status: no assertion criteria provided. Collection method: literature only. Allele origin: germline. Not counted in ClinVar's aggregate classification.

GeneReviews
No classification provided. Condition: Mucolipidosis type II. Review status: no classification provided. Collection method: literature only. Allele origin: unknown. Not counted in ClinVar's aggregate classification.

Literature cited by the submitters: PubMed 19617216 (cited by 3 submitters); PubMed 25107912 (cited by Labcorp Genetics (formerly Invitae), Labcorp); PubMed 16116615 (cited by 3 submitters); PubMed 23926388 (cited by Labcorp Genetics (formerly Invitae), Labcorp); PubMed 21416587 (cited by 3 submitters); PubMed 19197337 (cited by 3 submitters); PubMed 28095893 (cited by Counsyl); Paik, K. H., Song, S. M., Ki, C. S., Yu, H.-W., Kim, J. S., Min, K. H., Chang, S. H., Yoo, E. J., Lee, I. J., Kwan, E. K., Han, S. J., Jin, D.-K. Identification of mutations in the GNPTA (MGC4170) gene coding for GlcNAc-phosphotransferase alpha/beta subunits in Korean patients with mucolipidosis type II or type IIIA. Hum. Mutat. 26: 308-314, 2005. (cited by OMIM); PubMed 16630736 (cited by GeneReviews); PubMed 20301728 (cited by GeneReviews); NCBI Bookshelf NBK1828 (cited by GeneReviews).